The following is an entry in ClinVar:

NM_000313.4(PROS1):c.2018C>A (p.Thr673Lys)

Gene: PROS1 (protein S; minus strand). Cytogenetic location: 3q11.1.
Variant type: single nucleotide variant.
Coding change: c.2018C>A on transcript NM_000313.4 (MANE Select); coding-DNA position 2018, C replaced by A.
Protein change: p.Thr673Lys; replaces threonine 673 with lysine.
Molecular consequence: missense variant.
Genome position (GRCh38, 1-based): chr3:93,874,258, G>T on the plus strand (C>A on the coding strand, the complement: PROS1 is on the minus strand). VCF-style: chr3-93874258-G-T. GRCh37 (hg19) VCF-style: chr3-93593102-G-T.
Other names: c.2114C>A, p.Thr705Lys (NM_001314077.2); short protein forms T705K, T673K.
Identifiers: ClinVar variation 581192 (VCV000581192.3), dbSNP rs1465989734, ClinGen allele CA353669360.

ClinVar aggregate classification (germline): Uncertain significance (1 of 4 stars; one submission).

Conditions:
Thrombophilia due to protein S deficiency, autosomal recessive (THPH6). Identifiers: Orphanet 743, MedGen C3281092, MONDO:0013791, OMIM 614514. Disease mechanism: loss of function.

Allele frequency attached by ClinVar (database versions not stated): gnomAD exomes 0.00002.
gnomAD v4.1: 33 of 1,613,354 alleles (0.002%); highest among the groups gnomAD compares: Non-Finnish European, 0.0027%; no homozygotes.

Submission:

Labcorp Genetics (formerly Invitae), Labcorp
Classification: Uncertain significance for Thrombophilia due to protein S deficiency, autosomal recessive. Last evaluated: 2021-08-28. Review status: criteria provided, single submitter. Criteria: Invitae Variant Classification Sherloc (09022015). Collection method: clinical testing. Allele origin: germline.
Comment: This sequence change replaces threonine with lysine at codon 673 of the PROS1 protein (p.Thr673Lys). The threonine residue is weakly conserved and there is a moderate physicochemical difference between threonine and lysine. This variant is not present in population databases (ExAC no frequency). This variant has not been reported in the literature in individuals affected with PROS1-related conditions. Algorithms developed to predict the effect of missense changes on protein structure and function output the following: SIFT: "Tolerated"; PolyPhen-2: "Benign"; Align-GVGD: "Class C0". The lysine amino acid residue is found in multiple mammalian species, which suggests that this missense change does not adversely affect protein function. In summary, the available evidence is currently insufficient to determine the role of this variant in disease. Therefore, it has been classified as a Variant of Uncertain Significance.